The following is an entry in ClinVar:

ClinVar aggregate classification (germline): Uncertain significance (1 of 4 stars; one submission).

Conditions:
Coffin-Siris syndrome 8. Identifiers: MedGen C5193054, MONDO:0032702, OMIM 618362.

Submission:

New York Genome Center
Classification: Uncertain significance for Coffin-Siris syndrome 8. Last evaluated: 2019-09-13. Review status: criteria provided, single submitter. Criteria: NYGC Assertion Criteria 2020. Collection method: clinical testing. Allele origin: germline. Inheritance: Autosomal dominant inheritance. Observed: 1 heterozygote. Study: CSER-NYCKidSeq.
Comment: The c.158T>C (p.Val53Ala) variant identified in the SMARCC2 gene of substitutes a completely conserved Valine for Alanine at amino acid 53/1215 (coding exon 2/28). This variant is absent from gnomAD and ExAC, suggesting it is not a common benign variant in the populations represented in these databases. In silico algorithms predict this variant is Deleterious (Provean; score:-3.00) and Damaging (SIFT; score: 0.024) to the function of the canonical transcript. This variant is absent from ClinVar and to our current knowledge has not been reported in affected individuals in the literature. The p.Val53 residue is located in the SMARCC N-terminal domain region (SMARCC_N), and while there is no enrichment for pathogenic missense variants within this region, at least one other pathogenic missense variant has been described [PMID: 30580808]. Given the lack of compelling information regarding the pathogenicity of the c.158T>C (p.Val53Ala) variant identified in the SMARCC2 gene, it is reported here as a Variant of Uncertain Significance.

NM_001330288.2(SMARCC2):c.158T>C (p.Val53Ala)

Gene: SMARCC2 (SWI/SNF related, matrix associated, actin dependent regulator of chromatin subfamily c member 2; minus strand). Cytogenetic location: 12q13.2.
Variant type: single nucleotide variant.
Coding change: c.158T>C on transcript NM_001330288.2 (MANE Select); coding-DNA position 158, T replaced by C.
Protein change: p.Val53Ala; replaces valine 53 with alanine.
Molecular consequence: missense variant.
Genome position (GRCh38, 1-based): chr12:56,187,260, A>G on the plus strand (T>C on the coding strand, the complement: SMARCC2 is on the minus strand). VCF-style: chr12-56187260-A-G. GRCh37 (hg19) VCF-style: chr12-56581044-A-G.
Other names: c.158T>C, p.Val53Ala (NM_001130420.3, NM_003075.5, NM_139067.4); short protein forms V53A.
Identifiers: ClinVar variation 996851 (VCV000996851.1), dbSNP rs1877434002, ClinGen allele CA385267554.